The following is an entry in ClinVar:

NM_001080432.3(FTO):c.212C>T (p.Thr71Ile)

Gene: FTO (FTO alpha-ketoglutarate dependent dioxygenase; plus strand). Cytogenetic location: 16q12.2.
Variant type: single nucleotide variant.
Coding change: c.212C>T on transcript NM_001080432.3 (MANE Select); coding-DNA position 212, C replaced by T.
Protein change: p.Thr71Ile; replaces threonine 71 with isoleucine.
Molecular consequence: missense variant.
Genome position (GRCh38, 1-based): chr16:53,825,952, C>T. VCF-style: chr16-53825952-C-T. GRCh37 (hg19) VCF-style: chr16-53859864-C-T.
Other names: c.212C>T, p.Thr71Ile (NM_001363891.2, NM_001363894.2, NM_001363896.2 and 6 more transcripts); c.134C>T, p.Thr45Ile (NM_001363897.2); c.-302C>T (NM_001363905.2); short protein forms T45I, T71I.
Identifiers: ClinVar variation 1690698 (VCV001690698.2), dbSNP rs772076301, ClinGen allele CA8058330.

ClinVar aggregate classification (germline): Uncertain significance (1 of 4 stars; one submission).

Allele frequency attached by ClinVar (database versions not stated): gnomAD exomes below 0.00001; ExAC 0.00001; TOPMed 0.00001.
gnomAD v4.1: 5 of 1,614,192 alleles (0.00031%); highest among the groups gnomAD compares: Admixed American, 0.0017%; no homozygotes.

Submission:

Laboratorio de Genetica e Diagnostico Molecular, Hospital Israelita Albert Einstein
Classification: Uncertain significance. Last evaluated: 2019-10-07. Review status: criteria provided, single submitter. Criteria: ACMG Guidelines, 2015. Collection method: clinical testing. Allele origin: germline. Affected: yes.
Comment: ACMG classification criteria: PM2